The following is an entry in ClinVar:

NM_005529.7(HSPG2):c.3958G>A (p.Asp1320Asn)

Gene: HSPG2 (heparan sulfate proteoglycan 2; minus strand). Cytogenetic location: 1p36.12.
Variant type: single nucleotide variant.
Coding change: c.3958G>A on transcript NM_005529.7 (MANE Select); coding-DNA position 3958, G replaced by A.
Protein change: p.Asp1320Asn; replaces aspartic acid 1320 with asparagine.
Molecular consequence: missense variant.
Genome position (GRCh38, 1-based): chr1:21,872,691, C>T on the plus strand (G>A on the coding strand, the complement: HSPG2 is on the minus strand). VCF-style: chr1-21872691-C-T. GRCh37 (hg19) VCF-style: chr1-22199184-C-T.
Other names: c.3961G>A, p.Asp1321Asn (NM_001291860.2); short protein forms D1320N, D1321N.
Identifiers: ClinVar variation 4695390 (VCV004695390.1).
Genomic context (GRCh38, chr1:21,872,691, plus strand): 5'-TGTAGGCAGAGCTGGCGCACTGCTGGGTGATGCCCATACAGAAGCAGGGCAGGCAGCCGT[C>T]TGGGTTGCTGGCACTCAGGTGGAAGTGGTGGGGCCGGCAGTGGCTGCAAGTGAGGCCTTC-3'
Protein context (NP_005520.4, residues 1310-1330): HHFHLSASNP[Asp1320Asn]GCLPCFCMGI

ClinVar aggregate classification (germline): Uncertain significance (1 of 4 stars; one submission).

Submission:

Labcorp Genetics (formerly Invitae), Labcorp
Classification: Uncertain significance. Last evaluated: 2025-07-11. Review status: criteria provided, single submitter. Criteria: Invitae Variant Classification Sherloc (09022015). Collection method: clinical testing. Allele origin: germline.
Comment: This sequence change replaces aspartic acid, which is acidic and polar, with asparagine, which is neutral and polar, at codon 1320 of the HSPG2 protein (p.Asp1320Asn). This variant is not present in population databases (gnomAD no frequency). This variant has not been reported in the literature in individuals affected with HSPG2-related conditions. An algorithm developed to predict the effect of missense changes on protein structure and function (PolyPhen-2) suggests that this variant is likely to be tolerated. In summary, the available evidence is currently insufficient to determine the role of this variant in disease. Therefore, it has been classified as a Variant of Uncertain Significance.